The following is an entry in ClinVar:

NM_000017.4(ACADS):c.1095G>T (p.Gln365His)

Gene: ACADS (acyl-CoA dehydrogenase short chain; plus strand). Cytogenetic location: 12q24.31.
Variant type: single nucleotide variant.
Coding change: c.1095G>T on transcript NM_000017.4 (MANE Select); coding-DNA position 1095, G replaced by T.
Protein change: p.Gln365His; replaces glutamine 365 with histidine.
Molecular consequence: missense variant.
Genome position (GRCh38, 1-based): chr12:120,739,304, G>T. VCF-style: chr12-120739304-G-T. GRCh37 (hg19) VCF-style: chr12-121177107-G-T.
Other names: p.Q365H:CAG>CAT; c.1083G>T, p.Gln361His (NM_001302554.2); short protein forms Q365H, Q361H.
Identifiers: ClinVar variation 203560 (VCV000203560.28), dbSNP rs368469075, ClinGen allele CA312228.
Genomic context (GRCh38, chr12:120,739,304, plus strand): 5'-GCTTTCCCCACGCCGGGGTCTTCTCCCTCCTGAGCCACTGTTCTCATCTCAGGCCATCCA[G>T]ATCCTGGGCGGCATGGGCTACGTGACAGAGATGCCGGCAGAGCGGCACTACCGCGACGCC-3'
Protein context (NP_000008.1, residues 355-375): AATAISHQAI[Gln365His]ILGGMGYVTE

ClinVar aggregate classification (germline): Pathogenic/Likely pathogenic. Review status: criteria provided, multiple submitters, no conflicts (2 of 4 stars). 9 submissions from 9 submitters: Pathogenic (3); Likely pathogenic (5). 1 of the submissions does not count toward it. Last evaluated 2025-09-29.

Conditions:
ACADS-related disorder. Also called: ACADS-related condition.
Deficiency of butyryl-CoA dehydrogenase (ACADSD). Also called: ACADS DEFICIENCY; SCADH DEFICIENCY; SCAD DEFICIENCY, MILD; ACYL-CoA DEHYDROGENASE, SHORT-CHAIN, DEFICIENCY OF; SCAD Deficiency; Short-Chain Acyl-CoA Dehydrogenase Deficiency. Identifiers: Orphanet 26792, MedGen C0342783, MONDO:0008722, OMIM 201470. Disease mechanism: May be benign.

Allele frequency attached by ClinVar (database versions not stated): ExAC 0.00003; gnomAD exomes 0.00003 and 0.00014; gnomAD 0.00005 and 0.00006; TOPMed 0.00006; ESP Exome Variant Server 0.00015.
gnomAD v4.1: 207 of 1,612,950 alleles (0.013%); highest among the groups gnomAD compares: Non-Finnish European, 0.017%; no homozygotes.

Submissions (9):

Labcorp Genetics (formerly Invitae), Labcorp
Classification: Likely pathogenic for Deficiency of butyryl-CoA dehydrogenase. Last evaluated: 2025-09-29. Review status: criteria provided, single submitter. Criteria: Invitae Variant Classification Sherloc (09022015). Collection method: clinical testing. Allele origin: germline.
Comment: This sequence change replaces glutamine, which is neutral and polar, with histidine, which is basic and polar, at codon 365 of the ACADS protein (p.Gln365His). This variant is present in population databases (rs368469075, gnomAD 0.01%). This missense change has been observed in individuals with short-chain acyl-coenzyme A dehydrogenase deficiency (PMID: 12872838, 31813752; internal data). This variant is also known as Gln341His. ClinVar contains an entry for this variant (Variation ID: 203560). Invitae Evidence Modeling of protein sequence and biophysical properties (such as structural, functional, and spatial information, amino acid conservation, physicochemical variation, residue mobility, and thermodynamic stability) indicates that this missense variant is not expected to disrupt ACADS protein function with a negative predictive value of 80%. Experimental studies have shown that this missense change affects ACADS function (PMID: 14506246). In summary, the currently available evidence indicates that the variant is pathogenic, but additional data are needed to prove that conclusively. Therefore, this variant has been classified as Likely Pathogenic.

Blueprint Genetics
Classification: Likely pathogenic for ACADS-related disorders. Last evaluated: 2024-06-10. Review status: criteria provided, single submitter. Criteria: ACMG Guidelines, 2015. Collection method: clinical testing. Allele origin: germline. Affected: yes. Observed: 4 variant alleles.

Fulgent Genetics
Classification: Likely pathogenic for Deficiency of butyryl-CoA dehydrogenase. Last evaluated: 2024-06-06. Review status: criteria provided, single submitter. Criteria: ACMG Guidelines, 2015. Collection method: clinical testing. Allele origin: germline.

ARUP Laboratories, Molecular Genetics and Genomics, ARUP Laboratories
Classification: Pathogenic for Deficiency of butyryl-CoA dehydrogenase. Last evaluated: 2023-12-15. Review status: criteria provided, single submitter. Criteria: ARUP Molecular Germline Variant Investigation Process 2024. Collection method: clinical testing. Allele origin: germline.
Comment: The ACADS c.1095G>T; p.Gln365His variant (rs368469075) is reported in the literature in individuals affected with deficiency of short-chain Acyl-CoA dehydrogenase (Jethva 2008, Pendersen 2008, Pena 2012, Sadat 2020, Seidel 2003, Waisbren 2013). This variant is also reported in ClinVar (Variation ID: 203560). This variant is found in the general population with an overall allele frequency of 0.004% (11/278,764 alleles) in the Genome Aggregation Database (v2.1.1). Computational analyses predict that this variant is deleterious (REVEL: 0.947). In vitro functional analyses demonstrated folding defects and difficulties for the variant protein to form a mature tetrameric enzyme (Pendersen 2003, Seidel 2003). Based on available information, this variant is considered to be pathogenic. References: Jethva R et al. Clinical outcomes of infants with short-chain acyl-coenzyme A dehydrogenase deficiency (SCADD) detected by newborn screening. Mol Genet Metab. 2008 Dec;95(4):241-2. PMID: 18951053. Pedersen CB et al. Misfolding, degradation, and aggregation of variant proteins. The molecular pathogenesis of short chain acyl-CoA dehydrogenase (SCAD) deficiency. J Biol Chem. 2003 Nov 28;278(48):47449-58. PMID: 14506246. Pedersen CB et al. The ACADS gene variation spectrum in 114 patients with short-chain acyl-CoA dehydrogenase (SCAD) deficiency is dominated by missense variations leading to protein misfolding at the cellular level. Hum Genet. 2008 Aug;124(1):43-56. PMID: 18523805. Pena L et al. Follow-up of patients with short-chain acyl-CoA dehydrogenase and isobutyryl-CoA dehydrogenase deficiencies identified through newborn screening: one center's experience. Genet Med. 2012 Mar;14(3):342-7. PMID: 22241096. Sadat R et al. Increased parental anxiety and a benign clinical course: Infants identified with short-chain acyl-CoA dehydrogenase deficiency and isobutyryl-CoA dehydrogenase deficiency through newborn screening in Georgia. Mol Genet Metab. 2020 Jan;129(1):20-25. PMID: 31813752. Seidel J et al. Recurrent vomiting and ethylmalonic aciduria associated with rare mutations of the short-chain acyl-CoA dehydrogenase gene. J Inherit Metab Dis. 2003;26(1):37-42. PMID: 12872838. Waisbren SE et al. Neuropsychological outcomes in fatty acid oxidation disorders: 85 cases detected by newborn screening. Dev Disabil Res Rev. 2013;17(3):260-8. PMID: 23798014.

GeneDx
Classification: Pathogenic. Last evaluated: 2022-04-07. Review status: criteria provided, single submitter. Criteria: GeneDx Variant Classification Process June 2021. Collection method: clinical testing. Allele origin: germline. Affected: yes.
Comment: Functional analysis of Q365H found that it is associated with reduced tetramer formation, increased aggregation tendency, and increased chaperone retention compared to wild-type, similar to other pathogenic variants in the ACADS gene (Seidel et al., 2003; Pedersen et al., 2008); Not observed at a significant frequency in large population cohorts (gnomAD); In silico analysis supports that this missense variant has a deleterious effect on protein structure/function; This variant is associated with the following publications: (PMID: 12872838, 18523805, 31813752, 23798014, 22241096, 18951053, 14506246)

Revvity Omics, Revvity
Classification: Pathogenic for Deficiency of butyryl-CoA dehydrogenase. Last evaluated: 2022-03-29. Review status: criteria provided, single submitter. Criteria: ACMG Guidelines, 2015. Collection method: clinical testing. Allele origin: germline.

Genome-Nilou Lab
Classification: Likely pathogenic for Deficiency of butyryl-CoA dehydrogenase. Last evaluated: 2021-11-07. Review status: criteria provided, single submitter. Criteria: ACMG Guidelines, 2015. Collection method: clinical testing. Allele origin: germline. Affected: no.

Illumina Laboratory Services, Illumina
Classification: Likely pathogenic for Deficiency of butyryl-CoA dehydrogenase. Last evaluated: 2019-01-10. Review status: criteria provided, single submitter. Criteria: ICSL Variant Classification Criteria 09 May 2019. Collection method: clinical testing. Allele origin: germline.
Comment: The ACADS c.1095G>T (p.Gln365His) missense variant has been reported in two studies in which it is found in a compound heterozygous state with another missense variant in two probands with short-chain acyl-coA dehydrogenase (SCAD) deficiency (Seidel et al. 2003; Pedersen et al. 2008). The p.Gln365His variant was absent from 100 control alleles and is reported at a frequency of 0.000128 in the African population of the Genome Aggregation Database. Functional studies in vitro revealed that the p.Gln365His variant was found to translate and import into mitochondria efficiently but had a decreased ability to form the mature tetrameric enzyme leading to misfolding, and a severe increased tendency to form aggregates especially at an elevated temperature (Seidel et al. 2003; Pedersen et al. 2008). Based on the evidence, the p.Gln365His variant is classified as likely pathogenic for short-chain acyl-coA dehydrogenase deficiency. This variant was observed by ICSL as part of a predisposition screen in an ostensibly healthy population.

Counsyl
Classification: Likely pathogenic for Deficiency of butyryl-CoA dehydrogenase. Last evaluated: 2016-07-21. Review status: no assertion criteria provided. Collection method: clinical testing. Allele origin: unknown. Not counted in ClinVar's aggregate classification.

Literature cited by the submitters: PubMed 12872838 (cited by 3 submitters); PubMed 31813752 (cited by Labcorp Genetics (formerly Invitae), Labcorp); PubMed 14506246 (cited by Labcorp Genetics (formerly Invitae), Labcorp and Counsyl); PubMed 18523805 (cited by Illumina Laboratory Services, Illumina and Counsyl); PubMed 18951053 (cited by Counsyl); PubMed 22241096 (cited by Counsyl); PubMed 23798014 (cited by Counsyl).